The following is an entry in ClinVar:

NM_003737.4(DCHS1):c.9215A>G (p.Asp3072Gly)

Gene: DCHS1 (dachsous cadherin-related 1; minus strand). Cytogenetic location: 11p15.4.
Variant type: single nucleotide variant.
Coding change: c.9215A>G on transcript NM_003737.4 (MANE Select); coding-DNA position 9215, A replaced by G.
Protein change: p.Asp3072Gly; replaces aspartic acid 3072 with glycine.
Molecular consequence: missense variant.
Genome position (GRCh38, 1-based): chr11:6,622,461, T>C on the plus strand (A>G on the coding strand, the complement: DCHS1 is on the minus strand). VCF-style: chr11-6622461-T-C. GRCh37 (hg19) VCF-style: chr11-6643692-T-C.
Other names: short protein forms D3072G.
Identifiers: ClinVar variation 3721421 (VCV003721421.2).
Genomic context (GRCh38, chr11:6,622,461, plus strand): 5'-CCCTTATACCAGGTGTCAGGGGCAGGTGGTTCGCAGGATGTGTCACTCAGACCATCTGCA[T>C]CCTGCTGGATGCCTGAGTCAGGGCCACGGGCAGCCAGAGAGGAGGCCACACTGGCCACAC-3'
Protein context (NP_003728.1, residues 3062-3082): ARGPDSGIQQ[Asp3072Gly]ADGLSDTSCE

ClinVar aggregate classification (germline): Uncertain significance (1 of 4 stars; one submission).

Submission:

Labcorp Genetics (formerly Invitae), Labcorp
Classification: Uncertain significance. Last evaluated: 2024-09-23. Review status: criteria provided, single submitter. Criteria: Invitae Variant Classification Sherloc (09022015). Collection method: clinical testing. Allele origin: germline.
Comment: This sequence change replaces aspartic acid, which is acidic and polar, with glycine, which is neutral and non-polar, at codon 3072 of the DCHS1 protein (p.Asp3072Gly). This variant is not present in population databases (gnomAD no frequency). This variant has not been reported in the literature in individuals affected with DCHS1-related conditions. An algorithm developed to predict the effect of missense changes on protein structure and function (PolyPhen-2) suggests that this variant is likely to be disruptive. In summary, the available evidence is currently insufficient to determine the role of this variant in disease. Therefore, it has been classified as a Variant of Uncertain Significance.